The following is an entry in ClinVar:

NM_000051.4(ATM):c.8584+8del

Genes: ATM (ATM serine/threonine kinase; plus strand), C11orf65 (chromosome 11 open reading frame 65; minus strand). Cytogenetic location: 11q22.3.
Variant type: Deletion.
Coding change: c.8584+8del on transcript NM_000051.4 (MANE Select); 8 bases into the intron after coding-DNA position 8584, one base deleted (T; older notation c.8584+8delT).
Molecular consequence: intron variant.
Genome position (GRCh38, 1-based): chr11:108,345,916, T deleted; the last of 2 consecutive T bases (chr11:108,345,915-108,345,916); deleting either gives the same sequence. VCF-style (leftmost placement, unchanged base first): chr11-108345914-CT-C. GRCh37 (hg19) VCF-style: chr11-108216641-CT-C.
Other names: c.8584+8del (NM_001351834.2); c.641-36844del (NM_001330368.2); c.695-10623del (NM_001351110.2).
Identifiers: ClinVar variation 3254329 (VCV003254329.1), dbSNP rs2547446811.

ClinVar aggregate classification (germline): Likely benign (1 of 4 stars; one submission).

Conditions:
Familial cancer of breast. Also called: hereditary breast carcinoma; BREAST CANCER, FAMILIAL; Hereditary breast cancer. Identifiers: Orphanet 227535, MedGen C0346153, MONDO:0016419, OMIM 114480. Disease mechanism: loss of function.

Submission:

Myriad Genetics, Inc.
Classification: Likely benign for Familial cancer of breast. Last evaluated: 2024-06-20. Review status: criteria provided, single submitter. Criteria: Myriad Autosomal Dominant, Autosomal Recessive and X-Linked Classification Criteria (2023). Collection method: clinical testing. Allele origin: unknown.
Comment: This variant is considered likely benign. This variant is intronic and is not expected to impact mRNA splicing.